The following is an entry in ClinVar:

ClinVar aggregate classification (germline): Benign. Review status: criteria provided, multiple submitters, no conflicts (2 of 4 stars). 2 submissions from 2 submitters: Benign (2). Last evaluated 2026-01-27.

Allele frequency attached by ClinVar (database versions not stated): gnomAD exomes 0.00179 and 0.00467; ExAC 0.01304; ESP Exome Variant Server 0.01666; gnomAD 0.02330 and 0.02507; TOPMed 0.02603; 1000 Genomes Project 0.02616; 1000 Genomes Project 30x 0.02826.
gnomAD v4.1: 5,969 of 1,433,272 alleles (0.42%); highest among the groups gnomAD compares: African/African-American, 7.9%; 187 homozygotes.

Submissions (14):

Labcorp Genetics (formerly Invitae), Labcorp
Classification: Benign. Last evaluated: 2026-01-27. Review status: criteria provided, single submitter. Criteria: Invitae Variant Classification Sherloc (09022015). Collection method: clinical testing. Allele origin: germline.

GeneDx
Classification: Benign. Last evaluated: 2016-03-25. Review status: criteria provided, single submitter. Criteria: GeneDx Variant Classification (06012015). Collection method: clinical testing. Allele origin: germline. Affected: yes.
Comment: This variant is considered likely benign or benign based on one or more of the following criteria: it is a conservative change, it occurs at a poorly conserved position in the protein, it is predicted to be benign by multiple in silico algorithms, and/or has population frequency not consistent with disease.

Dr. Peter K. Rogan Lab, Western University
No classification provided (evidence only). Condition: Uterine corpus endometrial carcinoma. Review status: no classification provided. Collection method: in vitro. Allele origin: not applicable. Functional consequence: retained intron. Not counted in ClinVar's aggregate classification.

Dr. Peter K. Rogan Lab, Western University
No classification provided (evidence only). Condition: Uterine corpus endometrial carcinoma. Review status: no classification provided. Collection method: in vitro. Allele origin: not applicable. Functional consequence: retained intron. Not counted in ClinVar's aggregate classification.

Dr. Peter K. Rogan Lab, Western University
No classification provided (evidence only). Condition: Uterine corpus endometrial carcinoma. Review status: no classification provided. Collection method: in vitro. Allele origin: not applicable. Functional consequence: retained intron. Not counted in ClinVar's aggregate classification.

Dr. Peter K. Rogan Lab, Western University
No classification provided (evidence only). Condition: Uterine corpus endometrial carcinoma. Review status: no classification provided. Collection method: in vitro. Allele origin: not applicable. Functional consequence: retained intron. Not counted in ClinVar's aggregate classification.

Dr. Peter K. Rogan Lab, Western University
No classification provided (evidence only). Condition: Uterine corpus endometrial carcinoma. Review status: no classification provided. Collection method: in vitro. Allele origin: not applicable. Functional consequence: retained intron. Not counted in ClinVar's aggregate classification.

Dr. Peter K. Rogan Lab, Western University
No classification provided (evidence only). Condition: Cervical cancer. Review status: no classification provided. Collection method: in vitro. Allele origin: not applicable. Functional consequence: retained intron. Not counted in ClinVar's aggregate classification.

Dr. Peter K. Rogan Lab, Western University
No classification provided (evidence only). Condition: Cervical cancer. Review status: no classification provided. Collection method: in vitro. Allele origin: not applicable. Functional consequence: retained intron. Not counted in ClinVar's aggregate classification.

Dr. Peter K. Rogan Lab, Western University
No classification provided (evidence only). Condition: Sarcoma. Review status: no classification provided. Collection method: in vitro. Allele origin: not applicable. Functional consequence: retained intron. Not counted in ClinVar's aggregate classification.

Dr. Peter K. Rogan Lab, Western University
No classification provided (evidence only). Condition: Thymoma. Review status: no classification provided. Collection method: in vitro. Allele origin: not applicable. Functional consequence: retained intron. Not counted in ClinVar's aggregate classification.

Dr. Peter K. Rogan Lab, Western University
No classification provided (evidence only). Condition: Thymoma. Review status: no classification provided. Collection method: in vitro. Allele origin: not applicable. Functional consequence: retained intron. Not counted in ClinVar's aggregate classification.

Dr. Peter K. Rogan Lab, Western University
No classification provided (evidence only). Condition: Ovarian serous cystadenocarcinoma. Review status: no classification provided. Collection method: in vitro. Allele origin: not applicable. Functional consequence: retained intron. Not counted in ClinVar's aggregate classification.

Dr. Peter K. Rogan Lab, Western University
No classification provided (evidence only). Condition: Uterine carcinosarcoma. Review status: no classification provided. Collection method: in vitro. Allele origin: not applicable. Functional consequence: retained intron. Not counted in ClinVar's aggregate classification.

NM_002887.4(RARS1):c.823-20T>A

Gene: RARS1 (arginyl-tRNA synthetase 1; plus strand). Cytogenetic location: 5q34.
Variant type: single nucleotide variant.
Coding change: c.823-20T>A on transcript NM_002887.4 (MANE Select); 20 bases into the intron before coding-DNA position 823, T replaced by A.
Molecular consequence: intron variant.
Genome position (GRCh38, 1-based): chr5:168,500,571, T>A. VCF-style: chr5-168500571-T-A. GRCh37 (hg19) VCF-style: chr5-167927576-T-A.
Identifiers: ClinVar variation 383063 (VCV000383063.11), dbSNP rs10042188, ClinGen allele CA3549739.